The following is an entry in ClinVar:

ClinVar aggregate classification (germline): Likely benign. Review status: criteria provided, multiple submitters, no conflicts (2 of 4 stars). 3 submissions from 3 submitters: Likely benign (3). Last evaluated 2025-04-24.

Conditions:
Emery-Dreifuss muscular dystrophy 4, autosomal dominant (EDMD4). Also called: EMERY-DREIFUSS MUSCULAR DYSTROPHY 4 WITH VARIABLE FEATURES. Identifiers: Orphanet 261, MedGen C2751807, MONDO:0013071, OMIM 612998.
Autosomal recessive ataxia, Beauce type. Also called: SYNE1 Deficiency; Spinocerebellar ataxia, autosomal recessive 8; ATAXIA, RECESSIVE, OF BEAUCE; SYNE1-Related Autosomal Recessive Cerebellar Ataxia. Identifiers: Orphanet 88644, MedGen C1853116, MONDO:0012549, OMIM 610743.

Allele frequency attached by ClinVar (database versions not stated): TOPMed 0.00002; ExAC 0.00003; gnomAD 0.00003; gnomAD exomes 0.00003 and 0.00004.
gnomAD v4.1: 49 of 1,614,112 alleles (0.003%); highest among the groups gnomAD compares: Admixed American, 0.017%; no homozygotes.

Submissions (3):

Athena Diagnostics
Classification: Likely benign. Last evaluated: 2025-04-24. Review status: criteria provided, single submitter. Criteria: Athena Diagnostics Criteria. Collection method: clinical testing. Allele origin: unknown.
Comment: Computational tools yielded predictions that this variant is unlikely to have an effect on normal RNA splicing. This nucleotide position exhibits low evolutionary conservation.

Labcorp Genetics (formerly Invitae), Labcorp
Classification: Likely benign for Emery-Dreifuss muscular dystrophy 4, autosomal dominant; Autosomal recessive ataxia, Beauce type. Last evaluated: 2024-04-05. Review status: criteria provided, single submitter. Criteria: Invitae Variant Classification Sherloc (09022015). Collection method: clinical testing. Allele origin: germline.

GeneDx
Classification: Likely benign. Last evaluated: 2017-09-29. Review status: criteria provided, single submitter. Criteria: GeneDx Variant Classification (06012015). Collection method: clinical testing. Allele origin: germline. Affected: yes.
Comment: This variant is considered likely benign or benign based on one or more of the following criteria: it is a conservative change, it occurs at a poorly conserved position in the protein, it is predicted to be benign by multiple in silico algorithms, and/or has population frequency not consistent with disease.

NM_182961.4(SYNE1):c.17451G>A (p.Thr5817=)

Genes: SYNE1 (spectrin repeat containing nuclear envelope protein 1; minus strand), LOC129997480 (ATAC-STARR-seq lymphoblastoid active region 25287; plus strand). Cytogenetic location: 6q25.2.
Variant type: single nucleotide variant.
Coding change: c.17451G>A on transcript NM_182961.4 (MANE Select); coding-DNA position 17451, G replaced by A.
Protein change: p.Thr5817=; no amino-acid change (threonine 5817 retained).
Molecular consequence: synonymous variant.
Genome position (GRCh38, 1-based): chr6:152,301,959, C>T on the plus strand (G>A on the coding strand, the complement: SYNE1 is on the minus strand). VCF-style: chr6-152301959-C-T. GRCh37 (hg19) VCF-style: chr6-152623094-C-T.
Other names: c.17451G>A (NM_182961.2); c.17238G>A, p.Thr5746= (NM_033071.5).
Identifiers: ClinVar variation 512392 (VCV000512392.7), dbSNP rs769954729, ClinGen allele CA4055228.